The following is an entry in ClinVar:

ClinVar aggregate classification (germline): Uncertain significance. Review status: criteria provided, single submitter (1 of 4 stars). 2 submissions from 1 submitter: Uncertain significance (2). Last evaluated 2021-07-15.

Conditions:
Cardiovascular phenotype. Identifiers: MedGen CN230736.
Hereditary cancer-predisposing syndrome. Also called: Hereditary neoplastic syndrome; Hereditary Cancer Syndrome; Neoplastic Syndromes, Hereditary; Tumor predisposition. Identifiers: Orphanet 140162, MedGen C0027672, MeSH D009386, MONDO:0015356.

Allele frequency attached by ClinVar (database versions not stated): gnomAD exomes below 0.00001.
gnomAD v4.1: 1 of 1,614,112 alleles (0.000062%); highest among the groups gnomAD compares: Non-Finnish European, 0.000085%; no homozygotes.

Submissions (2):

Ambry Genetics
Classification: Uncertain significance for Cardiovascular phenotype; Hereditary cancer-predisposing syndrome. Last evaluated: 2021-07-15. Review status: criteria provided, single submitter. Criteria: Ambry Variant Classification Scheme 2023. Collection method: clinical testing. Allele origin: germline.

Ambry Genetics
Classification: Uncertain significance for Hereditary cancer-predisposing syndrome. Last evaluated: 2015-02-18. Review status: criteria provided, single submitter. Criteria: Ambry Autosomal Dominant and X-Linked criteria (10/2015). Collection method: clinical testing. Allele origin: germline. Observed: 1 variant allele.
Comment: The p.T2154I variant (also known as c.6461C>T), located in coding exon 43 of the NF1 gene, results from a C to T substitution at nucleotide position 6461. The threonine at codon 2154 is replaced by isoleucine, an amino acid with similar properties. This variant was not reported in population based cohorts in the following databases: Database of Single Nucleotide Polymorphisms (dbSNP), NHLBI Exome Sequencing Project (ESP), and 1000 Genomes Project. In the ESP, this variant was not observed in 6503 samples (13006 alleles) with coverage at this position. To date, this alteration has been detected with an allele frequency of approximately 0.003% (greater than 30000 alleles tested) in our clinical cohort.This amino acid position is highly conserved in available vertebrate species. In addition, this alteration is predicted to be deleterious by in silico analysis.Since supporting evidence is limited at this time, the clinical significance of p.T2154I remains unclear.

NM_001042492.3(NF1):c.6461C>T (p.Thr2154Ile)

Gene: NF1 (neurofibromin 1; plus strand). Cytogenetic location: 17q11.2.
Variant type: single nucleotide variant.
Coding change: c.6461C>T on transcript NM_001042492.3 (MANE Select); coding-DNA position 6461, C replaced by T.
Protein change: p.Thr2154Ile; replaces threonine 2154 with isoleucine.
Molecular consequence: missense variant.
Genome position (GRCh38, 1-based): chr17:31,337,401, C>T. VCF-style: chr17-31337401-C-T. GRCh37 (hg19) VCF-style: chr17-29664419-C-T.
Other names: c.6398C>T, p.Thr2133Ile (NM_000267.4); short protein forms T2133I, T2154I.
Identifiers: ClinVar variation 230307 (VCV000230307.4), dbSNP rs876658495, ClinGen allele CA10580379.